The following is an entry in ClinVar:

NR_003137.3(RNU4-2):n.66A>G

Genes: RNU4-2 (RNA, U4 small nuclear 2; minus strand), SIRT4 (sirtuin 4; plus strand). Cytogenetic location: 12q24.23.
Variant type: single nucleotide variant.
Molecular consequence: non-coding transcript variant (on NR_003137.3).
Genome position: GRCh38 VCF-style: chr12-120291838-T-C. GRCh37 (hg19) VCF-style: chr12-120729641-T-C.
Identifiers: ClinVar variation 3766437 (VCV003766437.2).

ClinVar aggregate classification (germline): Pathogenic. Review status: criteria provided, multiple submitters, no conflicts (2 of 4 stars). 2 submissions from 2 submitters: Pathogenic (2). Last evaluated 2025-09-19.

Conditions:
Neurodevelopmental disorder with hypotonia, brain anomalies, distinctive facies, and absent language. Also called: ReNU SYNDROME; RNU4-2–Related Autosomal Dominant Neurodevelopmental Disorder; RNU4-2-Related Neurodevelopmental Disorder. Identifiers: Orphanet 686488, MedGen C5935628, MONDO:0971172, OMIM 620851.

gnomAD v4.1: 1 of 152,248 alleles (0.00066%); highest among the groups gnomAD compares: Non-Finnish European, 0.0015%; no homozygotes.

Submissions (2):

3billion
Classification: Pathogenic for Neurodevelopmental disorder with hypotonia, brain anomalies, distinctive facies, and absent language. Last evaluated: 2025-09-19. Review status: criteria provided, single submitter. Criteria: ACMG Guidelines, 2015. Collection method: clinical testing. Allele origin: germline. Affected: yes.
Comment: The variant is observed at an extremely low frequency in the gnomAD v4.1.0 dataset (total allele frequency: <0.001%). Predicted Consequence/Location: non coding variant The variant has been previously reported as de novo in at least two similarly affected unrelated individuals (PMID: 40379786). The variant has been reported to be associated with RNU4-2-related disorder (ClinVar ID: VCV003766437). Therefore, this variant is classified as Pathogenic according to the recommendation of ACMG/AMP guideline.

Institute for Human Genetics, University Hospital Essen
Classification: Pathogenic for Neurodevelopmental disorder with hypotonia, brain anomalies, distinctive facies, and absent language. Last evaluated: 2005-03-05. Review status: criteria provided, single submitter. Criteria: ACMG Guidelines, 2015. Collection method: clinical testing. Allele origin: de novo. Inheritance: Autosomal dominant inheritance. Affected: yes.
Comment: PM2_supp, PS2, PS3, PS4_supp

Literature cited by the submitters: PubMed 40379786 (cited by 3billion).